The following is an entry in ClinVar:

ClinVar aggregate classification (germline): Uncertain significance. Review status: criteria provided, multiple submitters, no conflicts (2 of 4 stars). 2 submissions from 2 submitters: Uncertain significance (2). Last evaluated 2025-01-20.

Submissions (2):

Dasa
Classification: Uncertain significance. Last evaluated: 2025-01-20. Review status: criteria provided, single submitter. Criteria: DASA Assertion Criteria. Collection method: clinical testing. Allele origin: germline.
Comment: NM_024422.6(DSC2):c.2339G>A (p.Gly780Asp) is a missense variant that results in the substitution of glycine with aspartic acid. This variant is absent from population databases. Computational prediction algorithms are consistent with a benign effect. The currently available literature and clinical evidence are not sufficient to establish a definitive association between this variant and the reported condition. Therefore, this variant is classified as a variant of uncertain significance.

GeneDx
Classification: Uncertain significance. Last evaluated: 2024-12-23. Review status: criteria provided, single submitter. Criteria: GeneDx Variant Classification Process June 2021. Collection method: clinical testing. Allele origin: germline. Affected: yes.
Comment: Not observed at significant frequency in large population cohorts (gnomAD); In silico analysis supports that this missense variant has a deleterious effect on protein structure/function; Has not been previously published as pathogenic or benign to our knowledge

NM_024422.6(DSC2):c.2339G>A (p.Gly780Asp)

Gene: DSC2 (desmocollin 2; minus strand). Cytogenetic location: 18q12.1.
Variant type: single nucleotide variant.
Coding change: c.2339G>A on transcript NM_024422.6 (MANE Select); coding-DNA position 2339, G replaced by A.
Protein change: p.Gly780Asp; replaces glycine 780 with aspartic acid.
Molecular consequence: missense variant.
Genome position (GRCh38, 1-based): chr18:31,069,063, C>T on the plus strand (G>A on the coding strand, the complement: DSC2 is on the minus strand). VCF-style: chr18-31069063-C-T. GRCh37 (hg19) VCF-style: chr18-28649029-C-T.
Other names: c.1910G>A, p.Gly637Asp (NM_001406506.1, NM_001406507.1); c.2339G>A, p.Gly780Asp (NM_004949.5); short protein forms G637D, G780D.
Identifiers: ClinVar variation 3906426 (VCV003906426.3).